The following is an entry in ClinVar:

NM_001141947.3(CCDC66):c.1381C>T (p.Arg461Ter)

Gene: CCDC66 (coiled-coil domain containing 66; plus strand). Cytogenetic location: 3p14.3.
Variant type: single nucleotide variant.
Coding change: c.1381C>T on transcript NM_001141947.3 (MANE Select); coding-DNA position 1381, C replaced by T.
Protein change: p.Arg461Ter; replaces arginine 461 with a stop codon.
Molecular consequence: nonsense. On other transcripts: non-coding transcript variant (14).
Genome position (GRCh38, 1-based): chr3:56,594,005, C>T. VCF-style: chr3-56594005-C-T. GRCh37 (hg19) VCF-style: chr3-56628033-C-T.
Other names: c.1279C>T, p.Arg427Ter (NM_001012506.5, NM_001353152.1, NM_001353153.1); c.1381C>T, p.Arg461Ter (NM_001353147.1, NM_001353148.1); c.1360C>T, p.Arg454Ter (NM_001353149.1); c.1312C>T, p.Arg438Ter (NM_001353150.1); c.1282C>T, p.Arg428Ter (NM_001353151.1); c.1252C>T, p.Arg418Ter (NM_001353154.1); c.1231C>T, p.Arg411Ter (NM_001353155.1); c.484C>T, p.Arg162Ter (NM_001353156.1); and 2 more; short protein forms R119*, R162*, R411*, R418*, R427*, R428*, R438*, R454*.
Identifiers: ClinVar variation 4280830 (VCV004280830.7).
Genomic context (GRCh38, chr3:56,594,005, plus strand): 5'-TTTCTCCGTTCTATGACTGCTCTCTTGGACCCAGCTCAGATTGAGGAACGAGACAGACGA[C>T]GACAAAAACAATTAGAGCATCAGGTATTGCATTGTTAAACATTGTTCTTTACCTTAATAA-3'

ClinVar aggregate classification (germline): Likely benign (1 of 4 stars; one submission).

gnomAD v4.1: 8,390 of 1,613,902 alleles (0.52%); highest among the groups gnomAD compares: Non-Finnish European, 0.6%; 27 homozygotes.

Submission:

CeGaT Center for Human Genetics Tuebingen
Classification: Likely benign. Last evaluated: 2025-09-01. Review status: criteria provided, single submitter. Criteria: CeGaT Center For Human Genetics Tuebingen Variant Classification Criteria Version 2. Collection method: clinical testing. Allele origin: germline. Affected: yes. Observed: 1 variant allele.
Comment: CCDC66: BS2